The following is an entry in ClinVar:

NM_052867.4(NALCN):c.1889G>A (p.Arg630His)

Gene: NALCN (sodium leak channel, non-selective; minus strand). Cytogenetic location: 13q33.1.
Variant type: single nucleotide variant.
Coding change: c.1889G>A on transcript NM_052867.4 (MANE Select); coding-DNA position 1889, G replaced by A.
Protein change: p.Arg630His; replaces arginine 630 with histidine.
Molecular consequence: missense variant.
Genome position (GRCh38, 1-based): chr13:101,144,847, C>T on the plus strand (G>A on the coding strand, the complement: NALCN is on the minus strand). VCF-style: chr13-101144847-C-T. GRCh37 (hg19) VCF-style: chr13-101797198-C-T.
Other names: c.1889G>A, p.Arg630His (NM_001350748.2, NM_001350749.2); c.1802G>A, p.Arg601His (NM_001350750.2, NM_001350751.2); short protein forms R601H, R630H.
Identifiers: ClinVar variation 4691210 (VCV004691210.1).
Genomic context (GRCh38, chr13:101,144,847, plus strand): 5'-GGAAGCTTTGAGATTTTCACCATTTGAGGTCTGTTTGGAAATTTTTCAAAGATTCGCAGG[C>T]GTAAAGGGAGCTTTTCTTTGGTGTCCGCATTTGCTTCACTTTGCTTTAACTAAAGAAAAA-3'
Protein context (NP_443099.1, residues 620-640): NADTKEKLPL[Arg630His]LRIFEKFPNR

ClinVar aggregate classification (germline): Uncertain significance (1 of 4 stars; one submission).

gnomAD v4.1: 1 of 1,612,810 alleles (0.000062%); highest among the groups gnomAD compares: Non-Finnish European, 0.000085%; no homozygotes.

Submission:

Labcorp Genetics (formerly Invitae), Labcorp
Classification: Uncertain significance. Last evaluated: 2025-03-25. Review status: criteria provided, single submitter. Criteria: Invitae Variant Classification Sherloc (09022015). Collection method: clinical testing. Allele origin: germline.
Comment: This sequence change replaces arginine, which is basic and polar, with histidine, which is basic and polar, at codon 630 of the NALCN protein (p.Arg630His). This variant is not present in population databases (gnomAD no frequency). This variant has not been reported in the literature in individuals affected with NALCN-related conditions. Invitae Evidence Modeling of protein sequence and biophysical properties (such as structural, functional, and spatial information, amino acid conservation, physicochemical variation, residue mobility, and thermodynamic stability) indicates that this missense variant is expected to disrupt NALCN protein function with a positive predictive value of 80%. In summary, the available evidence is currently insufficient to determine the role of this variant in disease. Therefore, it has been classified as a Variant of Uncertain Significance.